The following is an entry in ClinVar:

NM_024675.4(PALB2):c.29_30delinsTT

Gene: PALB2 (partner and localizer of BRCA2; minus strand). Cytogenetic location: 16p12.2.
Variant type: Indel.
Coding change: c.29_30delinsTT on transcript NM_024675.4 (MANE Select); coding-DNA positions 29 to 30, GC replaced by TT.
Genome position (GRCh38, 1-based): chr16:23,641,128-23,641,129, GC replaced by AA on the plus strand (GC replaced by TT on the coding strand, the reverse complement: PALB2 is on the minus strand). VCF-style: chr16-23641128-GC-AA. GRCh37 (hg19) VCF-style: chr16-23652449-GC-AA.
Other names: c.29_30delinsTT, p.Ser10Ile (LRG_308t1).
Identifiers: ClinVar variation 492204 (VCV000492204.5), dbSNP rs1555462510, ClinGen allele CA658683931.
Genomic context (GRCh38, chr16:23,641,128, plus strand): 5'-GGGGTCAGAGTCCTGCGTCCGCCCTTCCCGCACCCCCGGCACCTTTTCCTTCTCCTCACA[GC>AA]TGAGGGGCTTCCCGGGAGGCTCGTCCATCGGGCAGGCGACAGAACGAAAAGAGCAGCCGT-3'

ClinVar aggregate classification (germline): Uncertain significance (1 of 4 stars; one submission).

Conditions:
Hereditary cancer-predisposing syndrome. Also called: Hereditary neoplastic syndrome; Tumor predisposition; Hereditary Cancer Syndrome; Neoplastic Syndromes, Hereditary. Identifiers: Orphanet 140162, MedGen C0027672, MeSH D009386, MONDO:0015356.

Submission:

Color Diagnostics, LLC DBA Color Health
Classification: Uncertain significance for Hereditary cancer-predisposing syndrome. Last evaluated: 2023-12-05. Review status: criteria provided, single submitter. Criteria: ACMG Guidelines, 2015. Collection method: clinical testing. Allele origin: germline.
Comment: This missense variant replaces serine with isoleucine at codon 10 of the PALB2 protein. To our knowledge, functional studies have not been reported for this variant. This variant has not been reported in individuals affected with PALB2-related disorders in the literature. This variant has not been identified in the general population by the Genome Aggregation Database (gnomAD). The available evidence is insufficient to determine the role of this variant in disease conclusively. Therefore, this variant is classified as a Variant of Uncertain Significance.